The following is an entry in ClinVar:

NM_000057.4(BLM):c.2051A>C (p.Asp684Ala)

Gene: BLM (BLM RecQ like helicase; plus strand). Cytogenetic location: 15q26.1.
Variant type: single nucleotide variant.
Coding change: c.2051A>C on transcript NM_000057.4 (MANE Select); coding-DNA position 2051, A replaced by C.
Protein change: p.Asp684Ala; replaces aspartic acid 684 with alanine.
Molecular consequence: missense variant.
Genome position (GRCh38, 1-based): chr15:90,763,134, A>C. VCF-style: chr15-90763134-A-C. GRCh37 (hg19) VCF-style: chr15-91306364-A-C.
Other names: c.2051A>C, p.Asp684Ala (NM_001287246.2, NM_001287247.2); c.926A>C, p.Asp309Ala (NM_001287248.2); c.2051A>C (NM_000057.2); short protein forms D684A, D309A.
Identifiers: ClinVar variation 571546 (VCV000571546.20), dbSNP rs1262628899, ClinGen allele CA393844440.

ClinVar aggregate classification (germline): Uncertain significance. Review status: criteria provided, multiple submitters, no conflicts (2 of 4 stars). 5 submissions from 5 submitters: Uncertain significance (4). 1 of the submissions does not count toward it. Last evaluated 2025-03-01.

Conditions:
Bloom syndrome (BLM). Also called: Bloom-Torre-Machacek syndrome. Identifiers: Orphanet 125, MedGen C0005859, MONDO:0008876, OMIM 210900.
Hereditary cancer-predisposing syndrome. Also called: Hereditary neoplastic syndrome; Tumor predisposition; Neoplastic Syndromes, Hereditary; Hereditary Cancer Syndrome. Identifiers: Orphanet 140162, MedGen C0027672, MeSH D009386, MONDO:0015356.

Allele frequency attached by ClinVar (database versions not stated): gnomAD exomes below 0.00001; gnomAD 0.00001; TOPMed 0.00001; 1000 Genomes Project 30x 0.00016.
gnomAD v4.1: 3 of 1,614,032 alleles (0.00019%); highest among the groups gnomAD compares: African/African-American, 0.0027%; no homozygotes.

Submissions (5):

Ambry Genetics
Classification: Uncertain significance for Hereditary cancer-predisposing syndrome. Last evaluated: 2025-03-01. Review status: criteria provided, single submitter. Criteria: Ambry Variant Classification Scheme 2023. Collection method: clinical testing. Allele origin: germline.
Comment: The p.D684A variant (also known as c.2051A>C), located in coding exon 7 of the BLM gene, results from an A to C substitution at nucleotide position 2051. The aspartic acid at codon 684 is replaced by alanine, an amino acid with dissimilar properties. This amino acid position is conserved. In addition, this alteration is predicted to be deleterious by in silico analysis. Since supporting evidence is limited at this time, the clinical significance of this alteration remains unclear.

Labcorp Genetics (formerly Invitae), Labcorp
Classification: Uncertain significance for Bloom syndrome. Last evaluated: 2024-12-22. Review status: criteria provided, single submitter. Criteria: Invitae Variant Classification Sherloc (09022015). Collection method: clinical testing. Allele origin: germline.
Comment: This sequence change replaces aspartic acid, which is acidic and polar, with alanine, which is neutral and non-polar, at codon 684 of the BLM protein (p.Asp684Ala). This variant is present in population databases (no rsID available, gnomAD 0.003%). This variant has not been reported in the literature in individuals affected with BLM-related conditions. ClinVar contains an entry for this variant (Variation ID: 571546). Invitae Evidence Modeling of protein sequence and biophysical properties (such as structural, functional, and spatial information, amino acid conservation, physicochemical variation, residue mobility, and thermodynamic stability) indicates that this missense variant is expected to disrupt BLM protein function with a positive predictive value of 80%. In summary, the available evidence is currently insufficient to determine the role of this variant in disease. Therefore, it has been classified as a Variant of Uncertain Significance.

GeneDx
Classification: Uncertain significance. Last evaluated: 2023-10-25. Review status: criteria provided, single submitter. Criteria: GeneDx Variant Classification Process June 2021. Collection method: clinical testing. Allele origin: germline. Affected: yes.
Comment: Not observed at significant frequency in large population cohorts (gnomAD); In silico analysis supports that this missense variant has a deleterious effect on protein structure/function; Has not been previously published as pathogenic or benign to our knowledge

Quest Diagnostics Nichols Institute San Juan Capistrano
Classification: Uncertain significance. Last evaluated: 2021-08-15. Review status: criteria provided, single submitter. Criteria: Quest Diagnostics criteria. Collection method: clinical testing. Allele origin: unknown.

Natera, Inc.
Classification: Uncertain significance for Bloom syndrome. Last evaluated: 2021-10-04. Review status: no assertion criteria provided. Collection method: clinical testing. Allele origin: germline. Not counted in ClinVar's aggregate classification.